The following is an entry in ClinVar:

NM_007294.4(BRCA1):c.233G>A (p.Arg78Lys)

Gene: BRCA1 (BRCA1 DNA repair associated; minus strand). Cytogenetic location: 17q21.31.
Variant type: single nucleotide variant.
Coding change: c.233G>A on transcript NM_007294.4 (MANE Select); coding-DNA position 233, G replaced by A.
Protein change: p.Arg78Lys; replaces arginine 78 with lysine.
Molecular consequence: missense variant. On other transcripts: non-coding transcript variant (1).
Genome position (GRCh38, 1-based): chr17:43,104,936, C>T on the plus strand (G>A on the coding strand, the complement: BRCA1 is on the minus strand). VCF-style: chr17-43104936-C-T. GRCh37 (hg19) VCF-style: chr17-41256953-C-T.
Other names: c.233G>A, p.Arg78Lys (NM_001407605.1, NM_001407610.1, NM_001407611.1 and 168 more transcripts); c.155G>A, p.Arg52Lys (NM_001407653.1, NM_001407654.1, NM_001407655.1 and 21 more transcripts); c.92G>A, p.Arg31Lys (NM_001407692.1, NM_001407694.1, NM_001407695.1 and 99 more transcripts); c.23G>A, p.Arg8Lys (NM_001407853.1, NM_001407879.1, NM_001407881.1 and 58 more transcripts); c.-149G>A (NM_001407959.1, NM_001407960.1, NM_001407962.1 and 4 more transcripts); c.101G>A, p.Arg34Lys (NM_001408451.1); short protein forms R31K, R78K, R8K, R34K, R52K.
Identifiers: ClinVar variation 865585 (VCV000865585.11), dbSNP rs2054692582, ClinGen allele CA10601696.
Genomic context (GRCh38, chr17:43,104,936, plus strand): 5'-CCTGTGTCAAGCTGAAAAGCACAAATGATTTTCAATAGCTCTTCAACAAGTTGACTAAAT[C>T]TCGTACTTTCTTGTAGGCTCCTGAAATTAAATTGTTTGAGAAACACACTCAGCAAGTGAT-3'
Protein context (NP_009225.1, residues 68-88): ITKRSLQEST[Arg78Lys]FSQLVEELLK

ClinVar aggregate classification (germline): Conflicting classifications of pathogenicity. Review status: criteria provided, conflicting classifications (1 of 4 stars). 2 submissions from 2 submitters: Uncertain significance (1); Likely benign (1). Last evaluated 2023-06-05.

Conditions:
Hereditary breast ovarian cancer syndrome. Also called: Hereditary breast and/or ovarian cancer syndrome; BRCA1- and BRCA2-Associated Hereditary Breast and Ovarian Cancer; Hereditary breast and ovarian cancer syndrome; Hereditary breast and ovarian cancer; Hereditary breast and ovarian cancer syndrome (HBOC); Breast and ovarian cancer. Identifiers: Orphanet 145, MedGen C0677776, MeSH D061325, MONDO:0003582. Disease mechanism: loss of function.
Hereditary cancer-predisposing syndrome. Also called: Tumor predisposition; Hereditary Cancer Syndrome; Hereditary neoplastic syndrome; Neoplastic Syndromes, Hereditary. Identifiers: Orphanet 140162, MedGen C0027672, MeSH D009386, MONDO:0015356.

Submissions (3):

Labcorp Genetics (formerly Invitae), Labcorp
Classification: Uncertain significance for Hereditary breast ovarian cancer syndrome. Last evaluated: 2023-06-05. Review status: criteria provided, single submitter. Criteria: Invitae Variant Classification Sherloc (09022015). Collection method: clinical testing. Allele origin: germline.
Comment: Experimental studies have shown that this missense change does not substantially affect BRCA1 function (PMID: 30209399). Advanced modeling performed at Invitae incorporating data from internal and/or published experimental studies (PMID: 30209399) indicates that this missense variant is not expected to disrupt BRCA1 function. In summary, the available evidence is currently insufficient to determine the role of this variant in disease. Therefore, it has been classified as a Variant of Uncertain Significance. This sequence change replaces arginine, which is basic and polar, with lysine, which is basic and polar, at codon 78 of the BRCA1 protein (p.Arg78Lys). This variant is not present in population databases (gnomAD no frequency). This missense change has been observed in individual(s) with breast and/or ovarian cancer (PMID: 31825140). ClinVar contains an entry for this variant (Variation ID: 865585).

Ambry Genetics
Classification: Likely benign for Hereditary cancer-predisposing syndrome. Last evaluated: 2023-04-07. Review status: criteria provided, single submitter. Criteria: Ambry Variant Classification Scheme 2023. Collection method: clinical testing. Allele origin: germline.

Brotman Baty Institute, University of Washington
No classification provided (evidence only). Condition: Breast-ovarian cancer, familial 1. Review status: no classification provided. Collection method: in vitro. Allele origin: not applicable. Functional consequence: functionally_normal. Not counted in ClinVar's aggregate classification.
ClinVar note: "not provided" was previously submitted as the classification for the variant. However, the classification appeared to be based only on an observation of functional data so it was converted to no classification on 2025-07-30.

Literature cited by the submitters: PubMed 30209399 (cited by Labcorp Genetics (formerly Invitae), Labcorp and Ambry Genetics); PubMed 31825140 (cited by Labcorp Genetics (formerly Invitae), Labcorp).